The following is an entry in ClinVar:

ClinVar aggregate classification (germline): Uncertain significance (1 of 4 stars; one submission).

Submission:

Labcorp Genetics (formerly Invitae), Labcorp
Classification: Uncertain significance. Last evaluated: 2023-07-27. Review status: criteria provided, single submitter. Criteria: Invitae Variant Classification Sherloc (09022015). Collection method: clinical testing. Allele origin: germline.
Comment: This sequence change replaces proline, which is neutral and non-polar, with threonine, which is neutral and polar, at codon 341 of the ANKRD26 protein (p.Pro341Thr). In summary, the available evidence is currently insufficient to determine the role of this variant in disease. Therefore, it has been classified as a Variant of Uncertain Significance. Algorithms developed to predict the effect of missense changes on protein structure and function output the following: SIFT: "Not Available"; PolyPhen-2: "Benign"; Align-GVGD: "Not Available". The threonine amino acid residue is found in multiple mammalian species, which suggests that this missense change does not adversely affect protein function. This variant has not been reported in the literature in individuals affected with ANKRD26-related conditions. This variant is present in population databases (no rsID available, gnomAD 0.01%).

NM_014915.3(ANKRD26):c.1021C>A (p.Pro341Thr)

Gene: ANKRD26 (ankyrin repeat domain 26; minus strand). Cytogenetic location: 10p12.1.
Variant type: single nucleotide variant.
Coding change: c.1021C>A on transcript NM_014915.3 (MANE Select); coding-DNA position 1021, C replaced by A.
Protein change: p.Pro341Thr; replaces proline 341 with threonine.
Molecular consequence: missense variant.
Genome position (GRCh38, 1-based): chr10:27,077,394, G>T on the plus strand (C>A on the coding strand, the complement: ANKRD26 is on the minus strand). VCF-style: chr10-27077394-G-T. GRCh37 (hg19) VCF-style: chr10-27366323-G-T.
Other names: c.1021C>A, p.Pro341Thr (NM_001256053.2); short protein forms P341T.
Identifiers: ClinVar variation 2899441 (VCV002899441.3), dbSNP rs1350483950, ClinGen allele CA376361666.